The following is an entry in ClinVar:

NM_024675.4(PALB2):c.2413G>A (p.Val805Ile)

Gene: PALB2 (partner and localizer of BRCA2; minus strand). Cytogenetic location: 16p12.2.
Variant type: single nucleotide variant.
Coding change: c.2413G>A on transcript NM_024675.4 (MANE Select); coding-DNA position 2413, G replaced by A.
Protein change: p.Val805Ile; replaces valine 805 with isoleucine.
Molecular consequence: missense variant.
Genome position (GRCh38, 1-based): chr16:23,629,741, C>T on the plus strand (G>A on the coding strand, the complement: PALB2 is on the minus strand). VCF-style: chr16-23629741-C-T. GRCh37 (hg19) VCF-style: chr16-23641062-C-T.
Other names: short protein forms V805I.
Identifiers: ClinVar variation 847508 (VCV000847508.10), dbSNP rs876659475, ClinGen allele CA395124371.

ClinVar aggregate classification (germline): Uncertain significance (1 of 4 stars; one submission).

Conditions:
Familial cancer of breast. Also called: hereditary breast carcinoma; Hereditary breast cancer; BREAST CANCER, FAMILIAL. Identifiers: Orphanet 227535, MedGen C0346153, MONDO:0016419, OMIM 114480. Disease mechanism: loss of function.

Submission:

Labcorp Genetics (formerly Invitae), Labcorp
Classification: Uncertain significance for Familial cancer of breast. Last evaluated: 2019-05-16. Review status: criteria provided, single submitter. Criteria: Invitae Variant Classification Sherloc (09022015). Collection method: clinical testing. Allele origin: germline.
Comment: In summary, the available evidence is currently insufficient to determine the role of this variant in disease. Therefore, it has been classified as a Variant of Uncertain Significance. Algorithms developed to predict the effect of missense changes on protein structure and function (SIFT, PolyPhen-2, Align-GVGD) all suggest that this variant is likely to be tolerated, but these predictions have not been confirmed by published functional studies and their clinical significance is uncertain. This variant has not been reported in the literature in individuals with PALB2-related conditions. This variant is not present in population databases (ExAC no frequency). This sequence change replaces valine with isoleucine at codon 805 of the PALB2 protein (p.Val805Ile). The valine residue is weakly conserved and there is a small physicochemical difference between valine and isoleucine.